The following is an entry in ClinVar:

ClinVar aggregate classification (germline): Likely benign (0 of 4 stars; one submission).

Conditions:
PRR12-related disorder. Also called: PRR12-related condition.

Allele frequency attached by ClinVar (database versions not stated): gnomAD 0.00001; gnomAD exomes 0.00002; ExAC 0.00005.
gnomAD v4.1: 14 of 1,609,556 alleles (0.00087%); highest among the groups gnomAD compares: Admixed American, 0.023%; no homozygotes.

Submission:

PreventionGenetics, part of Exact Sciences
Classification: Likely benign for PRR12-related condition. Last evaluated: 2022-11-16. Review status: no assertion criteria provided. Collection method: clinical testing. Allele origin: germline.
Comment: This variant is classified as likely benign based on ACMG/AMP sequence variant interpretation guidelines (Richards et al. 2015 PMID: 25741868, with internal and published modifications).

NM_020719.3(PRR12):c.2085C>A (p.Pro695=)

Gene: PRR12 (proline rich 12; plus strand). Cytogenetic location: 19q13.33.
Variant type: single nucleotide variant.
Coding change: c.2085C>A on transcript NM_020719.3 (MANE Select); coding-DNA position 2085, C replaced by A.
Protein change: p.Pro695=; no amino-acid change (proline 695 retained).
Molecular consequence: synonymous variant.
Genome position (GRCh38, 1-based): chr19:49,596,420, C>A. VCF-style: chr19-49596420-C-A. GRCh37 (hg19) VCF-style: chr19-50099677-C-A.
Identifiers: ClinVar variation 3031113 (VCV003031113.2), dbSNP rs762338141, ClinGen allele CA9578016.
Genomic context (GRCh38, chr19:49,596,420, plus strand): 5'-GGGGAGTGGCGGGGCCGGGGGACCACCGGGTACACCCTACGAGTTGGCCAAGGAAGACCC[C>A]CAGAGGTACCACCTGCAGAGTGTCATCCGCACCAGTGCCAGCCTGGATGAGGGTGCCACT-3'
Protein context (NP_065770.1, residues 685-705): GTPYELAKED[Pro695=]QRYHLQSVIR